The following is an entry in ClinVar:

NM_001370259.2(MEN1):c.47T>C (p.Ile16Thr)

Gene: MEN1 (menin 1; minus strand). Cytogenetic location: 11q13.1.
Variant type: single nucleotide variant.
Coding change: c.47T>C on transcript NM_001370259.2 (MANE Select); coding-DNA position 47, T replaced by C.
Protein change: p.Ile16Thr; replaces isoleucine 16 with threonine.
Molecular consequence: missense variant.
Genome position (GRCh38, 1-based): chr11:64,810,063, A>G on the plus strand (T>C on the coding strand, the complement: MEN1 is on the minus strand). VCF-style: chr11-64810063-A-G. GRCh37 (hg19) VCF-style: chr11-64577535-A-G.
Other names: c.47T>C, p.Ile16Thr (NM_000244.4, NM_001370251.2, NM_001370260.2 and 20 more transcripts); short protein forms I16T.
Identifiers: ClinVar variation 1743188 (VCV001743188.5), dbSNP rs1942023766, ClinGen allele CA381188180.
Genomic context (GRCh38, chr11:64,810,063, plus strand): 5'-AGCACCAGGTCCGGCTCCTCTCGGCCCAGCTCGGCAGCAAACAGGCGCACCACGTCGTCG[A>G]TGGAGCGCAGCGGGAACAGCGTCTTCTGGGCGGCCTTCAGCCCCATGGCGGCGGGCGGTG-3'
Protein context (NP_001357188.2, residues 6-26): AQKTLFPLRS[Ile16Thr]DDVVRLFAAE

ClinVar aggregate classification (germline): Uncertain significance. Review status: criteria provided, multiple submitters, no conflicts (2 of 4 stars). 2 submissions from 2 submitters: Uncertain significance (2). Last evaluated 2023-01-15.

Conditions:
Hereditary cancer-predisposing syndrome. Also called: Neoplastic Syndromes, Hereditary; Tumor predisposition; Hereditary Cancer Syndrome; Hereditary neoplastic syndrome. Identifiers: Orphanet 140162, MedGen C0027672, MeSH D009386, MONDO:0015356.
Multiple endocrine neoplasia, type 1 (MEN1). Also called: MEA I; MEN I; WERMER SYNDROME; Endocrine adenomatosis multiple; MEN 1. Identifiers: Orphanet 652, MedGen C0025267, MeSH D018761, MONDO:0007540, OMIM 131100.

Submissions (2):

Labcorp Genetics (formerly Invitae), Labcorp
Classification: Uncertain significance for Multiple endocrine neoplasia, type 1. Last evaluated: 2023-01-15. Review status: criteria provided, single submitter. Criteria: Invitae Variant Classification Sherloc (09022015). Collection method: clinical testing. Allele origin: germline.
Comment: This variant is not present in population databases (gnomAD no frequency). This sequence change replaces isoleucine, which is neutral and non-polar, with threonine, which is neutral and polar, at codon 16 of the MEN1 protein (p.Ile16Thr). This variant has not been reported in the literature in individuals affected with MEN1-related conditions. In summary, the available evidence is currently insufficient to determine the role of this variant in disease. Therefore, it has been classified as a Variant of Uncertain Significance. Advanced modeling of protein sequence and biophysical properties (such as structural, functional, and spatial information, amino acid conservation, physicochemical variation, residue mobility, and thermodynamic stability) performed at Invitae indicates that this missense variant is expected to disrupt MEN1 protein function. ClinVar contains an entry for this variant (Variation ID: 1743188).

Ambry Genetics
Classification: Uncertain significance for Hereditary cancer-predisposing syndrome. Last evaluated: 2022-06-02. Review status: criteria provided, single submitter. Criteria: Ambry Variant Classification Scheme 2023. Collection method: clinical testing. Allele origin: germline.
Comment: The p.I16T variant (also known as c.47T>C), located in coding exon 1 of the MEN1 gene, results from a T to C substitution at nucleotide position 47. The isoleucine at codon 16 is replaced by threonine, an amino acid with similar properties. This amino acid position is conserved. In addition, this alteration is predicted to be deleterious by in silico analysis. Since supporting evidence is limited at this time, the clinical significance of this alteration remains unclear.